The following is an entry in ClinVar:

NM_001267550.2(TTN):c.67833C>G (p.Tyr22611Ter)

Genes: TTN-AS1 (TTN antisense RNA 1; plus strand), TTN (titin; minus strand), LOC126806423 (CDK7 strongly-dependent group 2 enhancer GRCh37_chr2:179443309-179444508; plus strand). Cytogenetic location: 2q31.2.
Variant type: single nucleotide variant.
Coding change: c.67833C>G on transcript NM_001267550.2 (MANE Select); coding-DNA position 67833, C replaced by G.
Protein change: p.Tyr22611Ter; replaces tyrosine 22611 with a stop codon.
Molecular consequence: nonsense.
Genome position (GRCh38, 1-based): chr2:178,579,197, G>C on the plus strand (C>G on the coding strand, the complement: TTN is on the minus strand). VCF-style: chr2-178579197-G-C. GRCh37 (hg19) VCF-style: chr2-179443924-G-C.
Other names: c.62910C>G, p.Tyr20970Ter (NM_001256850.1); c.40638C>G, p.Tyr13546Ter (NM_003319.4); c.60129C>G, p.Tyr20043Ter (NM_133378.4); c.41013C>G, p.Tyr13671Ter (NM_133432.3); c.41214C>G, p.Tyr13738Ter (NM_133437.4); short protein forms Y13671*, Y13546*, Y20043*, Y13738*, Y20970*, Y22611*.
Identifiers: ClinVar variation 2950188 (VCV002950188.3), dbSNP rs375538420, ClinGen allele CA349422865.
Genomic context (GRCh38, chr2:178,579,197, plus strand): 5'-GGTGCCAGCAACATTCTTAAGTGTGATTGTGTATTTTCCAGCATCAGATTTTTGGCAATC[G>C]TACACTATAAGAGTTGTGTTAACCGCAGATGACTCAACACTGACTCTAGTGTCAGTTGCT-3'

ClinVar aggregate classification (germline): Likely pathogenic (1 of 4 stars; one submission).

Conditions:
Dilated cardiomyopathy 1G (CMD1G). Identifiers: Orphanet 154, MedGen C1858763, MONDO:0011400, OMIM 604145.
Autosomal recessive limb-girdle muscular dystrophy type 2J (LGMDR10). Also called: Limb-girdle muscular dystrophy, type 2J; MUSCULAR DYSTROPHY, LIMB-GIRDLE, AUTOSOMAL RECESSIVE 10. Identifiers: Orphanet 140922, MedGen C1837342, MONDO:0012127, OMIM 608807.

Submission:

Labcorp Genetics (formerly Invitae), Labcorp
Classification: Likely pathogenic for Dilated cardiomyopathy 1G; Autosomal recessive limb-girdle muscular dystrophy type 2J. Last evaluated: 2023-12-02. Review status: criteria provided, single submitter. Criteria: Invitae Variant Classification Sherloc (09022015). Collection method: clinical testing. Allele origin: germline.
Comment: This sequence change creates a premature translational stop signal (p.Tyr22611*) in the TTN gene. While this is not anticipated to result in nonsense mediated decay, it is expected to create a truncated TTN protein. This variant is not present in population databases (gnomAD no frequency). This variant has not been reported in the literature in individuals affected with TTN-related conditions. This variant is located in the A band of TTN (PMID: 25589632). Truncating variants in this region are significantly overrepresented in patients affected with dilated cardiomyopathy (PMID: 25589632). Truncating variants in this region have also been reported in individuals affected with autosomal recessive centronuclear myopathy (PMID: 23975875). In summary, the currently available evidence indicates that the variant is pathogenic, but additional data are needed to prove that conclusively. Therefore, this variant has been classified as Likely Pathogenic.

Literature cited by the submitters: PubMed 25589632; PubMed 23975875.